The following is an entry in ClinVar:

ClinVar aggregate classification (germline): Pathogenic. Review status: criteria provided, multiple submitters, no conflicts (2 of 4 stars). 4 submissions from 4 submitters: Pathogenic (4). Last evaluated 2024-12-18.

Conditions:
DMD-related disorder. Also called: DMD-related condition.
Duchenne muscular dystrophy (DMD). Also called: MUSCULAR DYSTROPHY, PSEUDOHYPERTROPHIC PROGRESSIVE, DUCHENNE TYPE; Duchenne Muscular Dystrophy (DMD). Identifiers: Orphanet 98896, MedGen C0013264, MONDO:0010679, OMIM 310200.

Submissions (4):

3billion
Classification: Pathogenic for Duchenne muscular dystrophy. Last evaluated: 2024-12-18. Review status: criteria provided, single submitter. Criteria: ACMG Guidelines, 2015. Collection method: clinical testing. Allele origin: germline. Affected: yes.
Comment: The variant is not observed in the gnomAD v4.1.0 dataset. Predicted Consequence/Location: Stop-gained (nonsense): predicted to result in a loss or disruption of normal protein function through nonsense-mediated decay (NMD) or protein truncation. Multiple pathogenic variants are reported downstream of the variant. The variant has been reported at least twice as pathogenic with clinical assertions and evidence for the classification (ClinVar ID: VCV000804333 /PMID: 31081998). Therefore, this variant is classified as Pathogenic according to the recommendation of ACMG/AMP guideline.

Labcorp Genetics (formerly Invitae), Labcorp
Classification: Pathogenic for Duchenne muscular dystrophy. Last evaluated: 2021-09-16. Review status: criteria provided, single submitter. Criteria: Invitae Variant Classification Sherloc (09022015). Collection method: clinical testing. Allele origin: germline.
Comment: For these reasons, this variant has been classified as Pathogenic. ClinVar contains an entry for this variant (Variation ID: 804333). This premature translational stop signal has been observed in individual(s) with Duchenne muscular dystrophy (PMID: 31081998). This variant is not present in population databases (ExAC no frequency). This sequence change creates a premature translational stop signal (p.Gln844*) in the DMD gene. It is expected to result in an absent or disrupted protein product. Loss-of-function variants in DMD are known to be pathogenic (PMID: 16770791, 25007885).

Blueprint Genetics
Classification: Pathogenic for DMD-related disorders. Last evaluated: 2021-05-04. Review status: criteria provided, single submitter. Criteria: ACMG Guidelines, 2015. Collection method: clinical testing. Allele origin: germline. Affected: yes. Observed: 1 variant allele.

Diagnostics Services (NGS), CSIR - Centre For Cellular And Molecular Biology
Classification: Pathogenic for Duchenne muscular dystrophy. Last evaluated: 2019-12-24. Review status: criteria provided, single submitter. Criteria: ACMG Guidelines, 2015. Collection method: clinical testing. Allele origin: germline. Inheritance: X-linked recessive inheritance. Affected: yes. Observed: 1 hemizygote.
Comment: The c.2530C>T variation can lead to premature truncation of the protein or may cause nonsense mediated decay. The variant is not present in publicly available databases like 1000 Genomes, Exome Variant Server (EVS), Exome Aggregation Consortium (ExAC), Genome Aggregation Database (gnomAD) and dbSNP. The variant is also not present in our in-house exome database. The variant was also not previously reported to OMIM, ClinVar and Human Genome Mutation Database (HGMD) in any other affected individuals. In-silico pathogenicity prediction programs like MutationTaster2, CADD etc. predicted this variant as likely deleterious. As per ACMG guidelines the variant has been classified as pathogenic.

Literature cited by the submitters: PubMed 31081998 (cited by 3billion and Labcorp Genetics (formerly Invitae), Labcorp); PubMed 16770791 (cited by Labcorp Genetics (formerly Invitae), Labcorp); PubMed 25007885 (cited by Labcorp Genetics (formerly Invitae), Labcorp).

NM_004006.3(DMD):c.2530C>T (p.Gln844Ter)

Gene: DMD (dystrophin; minus strand). Cytogenetic location: Xp21.1.
Variant type: single nucleotide variant.
Coding change: c.2530C>T on transcript NM_004006.3 (MANE Select); coding-DNA position 2530, C replaced by T.
Protein change: p.Gln844Ter; replaces glutamine 844 with a stop codon.
Molecular consequence: nonsense.
Genome position (GRCh38, 1-based): chrX:32,491,369, G>A on the plus strand (C>T on the coding strand, the complement: DMD is on the minus strand). VCF-style: chrX-32491369-G-A. GRCh37 (hg19) VCF-style: chrX-32509486-G-A.
Other names: c.2506C>T, p.Gln836Ter (NM_000109.4); c.2518C>T, p.Gln840Ter (NM_004009.3); c.2161C>T, p.Gln721Ter (NM_004010.3); short protein forms Q721*, Q836*, Q840*, Q844*.
Identifiers: ClinVar variation 804333 (VCV000804333.13), dbSNP rs768892830, ClinGen allele CA412672178.